The following is an entry in ClinVar:

ClinVar aggregate classification (germline): Pathogenic (1 of 4 stars; one submission).

Conditions:
Bloom syndrome (BLM). Also called: Bloom-Torre-Machacek syndrome. Identifiers: Orphanet 125, MedGen C0005859, MONDO:0008876, OMIM 210900.

Submission:

Myriad Genetics, Inc.
Classification: Pathogenic for Bloom syndrome. Last evaluated: 2026-09-18. Review status: criteria provided, single submitter. Criteria: Myriad Autosomal Dominant, Autosomal Recessive and X-Linked Classification Criteria (2023). Collection method: clinical testing. Allele origin: unknown.
Comment: This variant is considered pathogenic. This variant creates a frameshift predicted to result in premature protein truncation.

NM_000057.4(BLM):c.3015delinsTATCAT (p.Met1006fs)

Gene: BLM (BLM RecQ like helicase; plus strand). Cytogenetic location: 15q26.1.
Variant type: Indel.
Coding change: c.3015delinsTATCAT on transcript NM_000057.4 (MANE Select); coding-DNA position 3015, A replaced by TATCAT.
Protein change: p.Met1006fs; shifts the reading frame from methionine 1006.
Molecular consequence: frameshift variant.
Genome position (GRCh38, 1-based): chr15:90,790,840, A replaced by TATCAT. VCF-style: chr15-90790840-A-TATCAT. GRCh37 (hg19) VCF-style: chr15-91334070-A-TATCAT.
Other names: c.3015delinsTATCAT, p.Met1006fs (NM_001287246.2, NM_001287247.2); c.1890delinsTATCAT, p.Met631fs (NM_001287248.2); short protein forms M1006fs, M631fs.
Identifiers: ClinVar variation 5042297 (VCV005042297.1).